The following is an entry in ClinVar:

NM_001197104.2(KMT2A):c.5851A>G (p.Thr1951Ala)

Gene: KMT2A (lysine methyltransferase 2A; plus strand). Cytogenetic location: 11q23.3.
Variant type: single nucleotide variant.
Coding change: c.5851A>G on transcript NM_001197104.2 (MANE Select); coding-DNA position 5851, A replaced by G.
Protein change: p.Thr1951Ala; replaces threonine 1951 with alanine.
Molecular consequence: missense variant.
Genome position (GRCh38, 1-based): chr11:118,498,418, A>G. VCF-style: chr11-118498418-A-G. GRCh37 (hg19) VCF-style: chr11-118369133-A-G.
Other names: c.5941A>G, p.Thr1981Ala (NM_001412597.1); c.5842A>G, p.Thr1948Ala (NM_005933.4); short protein forms T1951A, T1948A, T1981A.
Identifiers: ClinVar variation 1958925 (VCV001958925.5), dbSNP rs1950444860, ClinGen allele CA382798667.
Genomic context (GRCh38, chr11:118,498,418, plus strand): 5'-TTGGATTTTTAGAGATGTGAATTCTGCCAAAAGCCAGGAGCCACCGTGGGTTGCTGTCTC[A>G]CATCCTGCACCAGCAACTATCACTTCATGTGTTCCCGAGCCAAGAACTGTGTCTTTCTGG-3'
Protein context (NP_001184033.1, residues 1941-1961): KPGATVGCCL[Thr1951Ala]SCTSNYHFMC

ClinVar aggregate classification (germline): Uncertain significance (1 of 4 stars; one submission).

Submission:

Labcorp Genetics (formerly Invitae), Labcorp
Classification: Uncertain significance. Last evaluated: 2024-05-15. Review status: criteria provided, single submitter. Criteria: Invitae Variant Classification Sherloc (09022015). Collection method: clinical testing. Allele origin: germline.
Comment: This sequence change replaces threonine, which is neutral and polar, with alanine, which is neutral and non-polar, at codon 1951 of the KMT2A protein (p.Thr1951Ala). This variant is not present in population databases (gnomAD no frequency). This variant has not been reported in the literature in individuals affected with KMT2A-related conditions. ClinVar contains an entry for this variant (Variation ID: 1958925). Advanced modeling of protein sequence and biophysical properties (such as structural, functional, and spatial information, amino acid conservation, physicochemical variation, residue mobility, and thermodynamic stability) performed at Invitae indicates that this missense variant is not expected to disrupt KMT2A protein function with a negative predictive value of 95%. In summary, the available evidence is currently insufficient to determine the role of this variant in disease. Therefore, it has been classified as a Variant of Uncertain Significance.